The following is an entry in ClinVar:

NM_012123.4(MTO1):c.724C>T (p.Arg242Ter)

Gene: MTO1 (mitochondrial tRNA translation optimization 1; plus strand). Cytogenetic location: 6q13.
Variant type: single nucleotide variant.
Coding change: c.724C>T on transcript NM_012123.4 (MANE Select); coding-DNA position 724, C replaced by T.
Protein change: p.Arg242Ter; replaces arginine 242 with a stop codon.
Molecular consequence: nonsense.
Genome position (GRCh38, 1-based): chr6:73,473,553, C>T. VCF-style: chr6-73473553-C-T. GRCh37 (hg19) VCF-style: chr6-74183276-C-T.
Other names: c.724C>T, p.Arg242Ter (NM_001123226.2, NM_133645.3); short protein forms R242*.
Identifiers: ClinVar variation 4734944 (VCV004734944.1).

ClinVar aggregate classification (germline): Pathogenic (1 of 4 stars; one submission).

Conditions:
Mitochondrial hypertrophic cardiomyopathy with lactic acidosis due to MTO1 deficiency. Also called: CARDIOMYOPATHY, INFANTILE HYPERTROPHIC MITOCHONDRIAL, AND LACTIC ACIDOSIS; Combined oxidative phosphorylation deficiency 10. Identifiers: Orphanet 314637, MedGen C4749921, MONDO:0013865, OMIM 614702.

gnomAD v4.1: 6 of 1,613,742 alleles (0.00037%); highest among the groups gnomAD compares: African/African-American, 0.0027%; no homozygotes.

Submission:

Labcorp Genetics (formerly Invitae), Labcorp
Classification: Pathogenic for Mitochondrial hypertrophic cardiomyopathy with lactic acidosis due to MTO1 deficiency. Last evaluated: 2025-11-25. Review status: criteria provided, single submitter. Criteria: Invitae Variant Classification Sherloc (09022015). Collection method: clinical testing. Allele origin: germline.
Comment: This sequence change creates a premature translational stop signal (p.Arg242*) in the MTO1 gene. It is expected to result in an absent or disrupted protein product. Loss-of-function variants in MTO1 are known to be pathogenic (PMID: 22608499, 25058219). This variant is present in population databases (rs760652613, gnomAD 0.003%). This variant has not been reported in the literature in individuals affected with MTO1-related conditions. For these reasons, this variant has been classified as Pathogenic.

Literature cited by the submitters: PubMed 22608499; PubMed 25058219.